The following is an entry in ClinVar:

ClinVar aggregate classification (germline): Uncertain significance (1 of 4 stars; one submission).

Conditions:
Catecholaminergic polymorphic ventricular tachycardia 1. Also called: VENTRICULAR TACHYCARDIA, STRESS-INDUCED POLYMORPHIC 1; VENTRICULAR TACHYCARDIA, CATECHOLAMINERGIC POLYMORPHIC, 1, WITH OR WITHOUT ATRIAL DYSFUNCTION AND/OR DILATED CARDIOMYOPATHY; RYR2-Related Catecholaminergic Polymorphic Ventricular Tachycardia. Identifiers: Orphanet 3286, MedGen C1631597, MONDO:0011484, OMIM 604772.

Submission:

Labcorp Genetics (formerly Invitae), Labcorp
Classification: Uncertain significance for Catecholaminergic polymorphic ventricular tachycardia 1. Last evaluated: 2025-04-28. Review status: criteria provided, single submitter. Criteria: Invitae Variant Classification Sherloc (09022015). Collection method: clinical testing. Allele origin: germline.
Comment: This sequence change replaces aspartic acid, which is acidic and polar, with tyrosine, which is neutral and polar, at codon 1930 of the RYR2 protein (p.Asp1930Tyr). This variant is not present in population databases (gnomAD no frequency). This variant has not been reported in the literature in individuals affected with RYR2-related conditions. Invitae Evidence Modeling of protein sequence and biophysical properties (such as structural, functional, and spatial information, amino acid conservation, physicochemical variation, residue mobility, and thermodynamic stability) indicates that this missense variant is not expected to disrupt RYR2 protein function with a negative predictive value of 95%. In summary, the available evidence is currently insufficient to determine the role of this variant in disease. Therefore, it has been classified as a Variant of Uncertain Significance.

NM_001035.3(RYR2):c.5788G>T (p.Asp1930Tyr)

Gene: RYR2 (ryanodine receptor 2; plus strand). Cytogenetic location: 1q43.
Variant type: single nucleotide variant.
Coding change: c.5788G>T on transcript NM_001035.3 (MANE Select); coding-DNA position 5788, G replaced by T.
Protein change: p.Asp1930Tyr; replaces aspartic acid 1930 with tyrosine.
Molecular consequence: missense variant.
Genome position (GRCh38, 1-based): chr1:237,617,358, G>T. VCF-style: chr1-237617358-G-T. GRCh37 (hg19) VCF-style: chr1-237780658-G-T.
Other names: short protein forms D1930Y.
Identifiers: ClinVar variation 4810565 (VCV004810565.1).